The following is an entry in ClinVar:

ClinVar aggregate classification (germline): Uncertain significance (1 of 4 stars; one submission).

Conditions:
Juvenile polyposis syndrome (JPS). Identifiers: Orphanet 2929, MedGen C0345893, MONDO:0017380, OMIM 174900.

Submission:

Labcorp Genetics (formerly Invitae), Labcorp
Classification: Uncertain significance for Juvenile polyposis syndrome. Last evaluated: 2018-08-13. Review status: criteria provided, single submitter. Criteria: Invitae Variant Classification Sherloc (09022015). Collection method: clinical testing. Allele origin: germline.
Comment: In summary, the available evidence is currently insufficient to determine the role of this variant in disease. Therefore, it has been classified as a Variant of Uncertain Significance. Algorithms developed to predict the effect of missense changes on protein structure and function are either unavailable or do not agree on the potential impact of this missense change (SIFT: "Deleterious"; PolyPhen-2: "Benign"; Align-GVGD: "Class C0"). This variant has not been reported in the literature in individuals with SMAD4-related disease. This variant is not present in population databases (ExAC no frequency). This sequence change replaces glycine with arginine at codon 231 of the SMAD4 protein (p.Gly231Arg). The glycine residue is moderately conserved and there is a moderate physicochemical difference between glycine and arginine.

NM_005359.6(SMAD4):c.691G>C (p.Gly231Arg)

Gene: SMAD4 (SMAD family member 4; plus strand). Cytogenetic location: 18q21.2.
Variant type: single nucleotide variant.
Coding change: c.691G>C on transcript NM_005359.6 (MANE Select); coding-DNA position 691, G replaced by C.
Protein change: p.Gly231Arg; replaces glycine 231 with arginine.
Molecular consequence: missense variant.
Genome position (GRCh38, 1-based): chr18:51,058,148, G>C. VCF-style: chr18-51058148-G-C. GRCh37 (hg19) VCF-style: chr18-48584518-G-C.
Other names: short protein forms G231R.
Identifiers: ClinVar variation 664873 (VCV000664873.10), dbSNP rs1599189469, ClinGen allele CA402462672.